The following is an entry in ClinVar:

ClinVar aggregate classification (germline): Uncertain significance. Review status: criteria provided, multiple submitters, no conflicts (2 of 4 stars). 2 submissions from 2 submitters: Uncertain significance (2). Last evaluated 2025-07-27.

gnomAD v4.1: 21 of 1,612,322 alleles (0.0013%); highest among the groups gnomAD compares: Non-Finnish European, 0.0017%; no homozygotes.

Submissions (2):

Labcorp Genetics (formerly Invitae), Labcorp
Classification: Uncertain significance. Last evaluated: 2025-07-27. Review status: criteria provided, single submitter. Criteria: Invitae Variant Classification Sherloc (09022015). Collection method: clinical testing. Allele origin: germline.
Comment: This sequence change replaces threonine, which is neutral and polar, with serine, which is neutral and polar, at codon 552 of the STAT4 protein (p.Thr552Ser). This variant is not present in population databases (gnomAD no frequency). This variant has not been reported in the literature in individuals affected with STAT4-related conditions. ClinVar contains an entry for this variant (Variation ID: 3450422). Invitae Evidence Modeling of protein sequence and biophysical properties (such as structural, functional, and spatial information, amino acid conservation, physicochemical variation, residue mobility, and thermodynamic stability) has been performed for this missense variant. However, the output from this modeling did not meet the statistical confidence thresholds required to predict the impact of this variant on STAT4 protein function. In summary, the available evidence is currently insufficient to determine the role of this variant in disease. Therefore, it has been classified as a Variant of Uncertain Significance.

Ambry Genetics
Classification: Uncertain significance. Last evaluated: 2024-10-29. Review status: criteria provided, single submitter. Criteria: Ambry Variant Classification Scheme 2023. Collection method: clinical testing. Allele origin: germline.

NM_003151.4(STAT4):c.1654A>T (p.Thr552Ser)

Gene: STAT4 (signal transducer and activator of transcription 4; minus strand). Cytogenetic location: 2q32.2.
Variant type: single nucleotide variant.
Coding change: c.1654A>T on transcript NM_003151.4 (MANE Select); coding-DNA position 1654, A replaced by T.
Protein change: p.Thr552Ser; replaces threonine 552 with serine.
Molecular consequence: missense variant.
Genome position (GRCh38, 1-based): chr2:191,033,972, T>A on the plus strand (A>T on the coding strand, the complement: STAT4 is on the minus strand). VCF-style: chr2-191033972-T-A. GRCh37 (hg19) VCF-style: chr2-191898698-T-A.
Other names: c.1654A>T, p.Thr552Ser (NM_001243835.2); short protein forms T552S.
Identifiers: ClinVar variation 3450422 (VCV003450422.3).